The following is an entry in ClinVar:

ClinVar aggregate classification (germline): Benign (0 of 4 stars; one submission).

Conditions:
ZC3H4-related disorder. Also called: ZC3H4-related condition.

Allele frequency attached by ClinVar (database versions not stated): ExAC 0.57607; gnomAD exomes 0.66036; 1000 Genomes Project 30x 0.37024; 1000 Genomes Project 0.37460; TOPMed 0.50390; gnomAD 0.52207; ESP Exome Variant Server 0.55319.
gnomAD v4.1: 1,041,718 of 1,613,246 alleles (65%); highest among the groups gnomAD compares: Non-Finnish European, 71%; 353,255 homozygotes.

Submission:

PreventionGenetics, part of Exact Sciences
Classification: Benign for ZC3H4-related condition. Last evaluated: 2019-10-29. Review status: no assertion criteria provided. Collection method: clinical testing. Allele origin: germline.
Comment: This variant is classified as benign based on ACMG/AMP sequence variant interpretation guidelines (Richards et al. 2015 PMID: 25741868, with internal and published modifications).

NM_015168.2(ZC3H4):c.1254C>G (p.Leu418=)

Gene: ZC3H4 (zinc finger CCCH-type containing 4; minus strand). Cytogenetic location: 19q13.32.
Variant type: single nucleotide variant.
Coding change: c.1254C>G on transcript NM_015168.2 (MANE Select); coding-DNA position 1254, C replaced by G.
Protein change: p.Leu418=; no amino-acid change (leucine 418 retained).
Molecular consequence: synonymous variant.
Genome position (GRCh38, 1-based): chr19:47,082,260, G>C on the plus strand (C>G on the coding strand, the complement: ZC3H4 is on the minus strand). VCF-style: chr19-47082260-G-C. GRCh37 (hg19) VCF-style: chr19-47585517-G-C.
Identifiers: ClinVar variation 3059463 (VCV003059463.2), dbSNP rs7250850, ClinGen allele CA9535279.